The following is an entry in ClinVar:

NM_001270974.2(HYDIN):c.5855G>A (p.Arg1952Gln)

Gene: HYDIN (HYDIN axonemal central pair apparatus protein; minus strand). Cytogenetic location: 16q22.2.
Variant type: single nucleotide variant.
Coding change: c.5855G>A on transcript NM_001270974.2 (MANE Select); coding-DNA position 5855, G replaced by A.
Protein change: p.Arg1952Gln; replaces arginine 1952 with glutamine.
Molecular consequence: missense variant.
Genome position (GRCh38, 1-based): chr16:70,962,072, C>T on the plus strand (G>A on the coding strand, the complement: HYDIN is on the minus strand). VCF-style: chr16-70962072-C-T. GRCh37 (hg19) VCF-style: chr16-70995975-C-T.
Other names: short protein forms R1952Q.
Identifiers: ClinVar variation 3254672 (VCV003254672.3), dbSNP rs17321570.

ClinVar aggregate classification (germline): Likely benign. Review status: criteria provided, multiple submitters, no conflicts (2 of 4 stars). 2 submissions from 2 submitters: Likely benign (2). Last evaluated 2024-11-27.

Conditions:
Primary ciliary dyskinesia 5. Also called: CILIARY DYSKINESIA, PRIMARY, 5, WITHOUT SITUS INVERSUS. Identifiers: Orphanet 244, MedGen C1837615, MONDO:0012088, OMIM 608647.

Allele frequency attached by ClinVar (database versions not stated): 1000 Genomes Project 30x 0.01452; ExAC 0.02149; gnomAD 0.02186; TOPMed 0.02347.

Submissions (2):

Blueprint Genetics
Classification: Likely benign. Last evaluated: 2024-11-27. Review status: criteria provided, single submitter. Criteria: ACMG Guidelines, 2015. Collection method: clinical testing. Allele origin: germline.

Victorian Clinical Genetics Services, Murdoch Childrens Research Institute
Classification: Likely benign for Primary ciliary dyskinesia 5. Last evaluated: 2023-07-17. Review status: criteria provided, single submitter. Criteria: ACMG Guidelines, 2015. Collection method: clinical testing. Allele origin: germline. Inheritance: Autosomal recessive inheritance.
Comment: Based on the classification scheme VCGS_Germline_v1.3.4, this variant is classified as likely benign. Following criteria are met: 0308 - Population frequency for this variant is out of keeping with known incidence of ciliary dyskinesia, primary, 5 (MIM#608647), with 49 homozygotes in gnomAD v3. (SB) Legend: (SP) - Supporting pathogenic, (I) - Information, (SB) - Supporting benign